The following is an entry in ClinVar:

NC_000013.10:g.(?_32899193)_(32972907_?)dup

Gene: BRCA2 (BRCA2 DNA repair associated; plus strand). Cytogenetic location: 13q13.1.
Variant type: Duplication.
Identifiers: ClinVar variation 1014423 (VCV001014423.8).

ClinVar aggregate classification (germline): Uncertain significance (1 of 4 stars; one submission).

Conditions:
Hereditary breast ovarian cancer syndrome. Also called: Hereditary breast and ovarian cancer syndrome (HBOC); Hereditary breast and/or ovarian cancer syndrome; BRCA1- and BRCA2-Associated Hereditary Breast and Ovarian Cancer; Hereditary breast and ovarian cancer syndrome; Hereditary breast and ovarian cancer; Breast and ovarian cancer. Identifiers: Orphanet 145, MedGen C0677776, MeSH D061325, MONDO:0003582. Disease mechanism: loss of function.

Submission:

Labcorp Genetics (formerly Invitae), Labcorp
Classification: Uncertain significance for Hereditary breast ovarian cancer syndrome. Last evaluated: 2023-12-28. Review status: criteria provided, single submitter. Criteria: Invitae Variant Classification Sherloc (09022015). Collection method: clinical testing. Allele origin: germline.
Comment: This variant results in a copy number gain of the genomic region encompassing exon(s) 4-27 of the BRCA2 gene. This region includes the termination codon of the gene. This copy number gain extends beyond the assayed region for this gene and therefore may encompass additional genes. As the precise location of this event is unknown, it may be in tandem or it may be located elsewhere in the genome. This variant has not been reported in the literature in individuals affected with BRCA2-related conditions. Experimental studies and prediction algorithms are not available or were not evaluated, and the functional significance of this variant is currently unknown. In summary, the available evidence is currently insufficient to determine the role of this variant in disease. Therefore, it has been classified as a Variant of Uncertain Significance.